The following is an entry in ClinVar:

NM_006005.3(WFS1):c.2614_2625del (p.His872_Val875del)

Gene: WFS1 (wolframin ER transmembrane glycoprotein; plus strand). Cytogenetic location: 4p16.1.
Variant type: Deletion.
Coding change: c.2614_2625del on transcript NM_006005.3 (MANE Select); coding-DNA positions 2614 to 2625, 12 bases deleted (CATGGCGCCGTG).
Protein change: p.His872_Val875del.
Molecular consequence: inframe deletion.
Genome position (GRCh38, 1-based): chr4:6,302,409-6,302,420, CATGGCGCCGTG deleted; deleting any 12 consecutive bases within chr4:6,302,404-6,302,420 gives the same sequence; the c. name uses the placement nearest the transcript's 3' end. VCF-style (leftmost placement, unchanged base first): chr4-6302403-ACCGTGCATGGCG-A. GRCh37 (hg19) VCF-style: chr4-6304130-ACCGTGCATGGCG-A.
Other names: c.2614_2625del12 (NM_006005.3); c.2614_2625del, p.His872_Val875del (NM_001145853.1).
Identifiers: ClinVar variation 2632570 (VCV002632570.3), dbSNP rs2474197779, ClinGen allele CA2586973660.

ClinVar aggregate classification (germline): Conflicting classifications of pathogenicity. Review status: criteria provided, conflicting classifications (1 of 4 stars). 2 submissions from 2 submitters: Pathogenic (1); Uncertain significance (1). Last evaluated 2024-11-25.

Conditions:
WFS1-related disorder. Identifiers: MedGen CN379391, MONDO:0700293.

Submissions (2):

Labcorp Genetics (formerly Invitae), Labcorp
Classification: Pathogenic. Last evaluated: 2024-11-25. Review status: criteria provided, single submitter. Criteria: Invitae Variant Classification Sherloc (09022015). Collection method: clinical testing. Allele origin: germline.
Comment: This variant, c.2614_2625del, results in the deletion of 4 amino acid(s) of the WFS1 protein (p.His872_Val875del), but otherwise preserves the integrity of the reading frame. This variant is not present in population databases (gnomAD no frequency). This variant has been observed in individual(s) with autosomal dominant deafness (PMID: 28419064). It has also been observed to segregate with disease in related individuals. ClinVar contains an entry for this variant (Variation ID: 2632570). Experimental studies and prediction algorithms are not available or were not evaluated, and the functional significance of this variant is currently unknown. For these reasons, this variant has been classified as Pathogenic.

PreventionGenetics, part of Exact Sciences
Classification: Uncertain significance for WFS1-related condition. Last evaluated: 2023-07-30. Review status: criteria provided, single submitter. Criteria: ACMG Guidelines, 2015. Collection method: clinical testing. Allele origin: germline.
Comment: The WFS1 c.2614_2625del12 variant is predicted to result in an in-frame deletion (p.His872_Val875del). This variant was reported in a family with nonsyndromic, autosomal-dominant, moderate low=frequency sensorineural hearing loss with onset from age 5 to age 40 years old. Of note, seven of the nine affected family members had the WFS1 variant and a second variant in TCOF1 was present in six affected (Family B, Gürtler et al. 2017. PubMed ID: 28419064). This variant has not been reported in a large population database, indicating this variant is rare. At this time, the clinical significance of this variant is uncertain due to the absence of conclusive functional and genetic evidence.

Literature cited by the submitters: PubMed 28419064 (cited by Labcorp Genetics (formerly Invitae), Labcorp).